The following is an entry in ClinVar:

NM_001122630.2(CDKN1C):c.230C>T (p.Pro77Leu)

Gene: CDKN1C (cyclin dependent kinase inhibitor 1C; minus strand). Cytogenetic location: 11p15.4.
Variant type: single nucleotide variant.
Coding change: c.230C>T on transcript NM_001122630.2 (MANE Select); coding-DNA position 230, C replaced by T.
Protein change: p.Pro77Leu; replaces proline 77 with leucine.
Molecular consequence: missense variant.
Genome position (GRCh38, 1-based): chr11:2,885,227, G>A on the plus strand (C>T on the coding strand, the complement: CDKN1C is on the minus strand). VCF-style: chr11-2885227-G-A. GRCh37 (hg19) VCF-style: chr11-2906457-G-A.
Other names: c.263C>T, p.Pro88Leu (LRG_533t1, NM_000076.2, NM_001362474.2); c.230C>T, p.Pro77Leu (NM_001122631.2, NM_001362475.2); short protein forms P77L, P88L.
Identifiers: ClinVar variation 647357 (VCV000647357.8), dbSNP rs1590151038, ClinGen allele CA379147175.
Genomic context (GRCh38, chr11:2,885,227, plus strand): 5'-GGCCGCGGCGCCAGCAGCAGGCGGCAGCGCCCCACCTGCACCGTCTCGCGGTAGAACGCG[G>A]GCACCGAGTCGCTGTCCACTTCGGTCCACTGCAGGCGTCCAGGGCCCCGCAGCGGCATGT-3'
Protein context (NP_001116102.1, residues 67-87): QWTEVDSDSV[Pro77Leu]AFYRETVQVG

ClinVar aggregate classification (germline): Uncertain significance (1 of 4 stars; one submission).

Conditions:
Beckwith-Wiedemann syndrome (BWS). Also called: Exomphalos macroglossia gigantism syndrome; EMG SYNDROME. Identifiers: Orphanet 116, MedGen C0004903, MONDO:0007534, OMIM 130650.

Submission:

Labcorp Genetics (formerly Invitae), Labcorp
Classification: Uncertain significance for Beckwith-Wiedemann syndrome. Last evaluated: 2018-09-25. Review status: criteria provided, single submitter. Criteria: Invitae Variant Classification Sherloc (09022015). Collection method: clinical testing. Allele origin: germline.
Comment: This variant is not present in population databases (ExAC no frequency). In summary, the available evidence is currently insufficient to determine the role of this variant in disease. Therefore, it has been classified as a Variant of Uncertain Significance. Algorithms developed to predict the effect of missense changes on protein structure and function are either unavailable or do not agree on the potential impact of this missense change (SIFT: "Deleterious"; PolyPhen-2: "Probably Damaging"; Align-GVGD: "Class C0"). This variant has not been reported in the literature in individuals with CDKN1C-related disease. This sequence change replaces proline with leucine at codon 88 of the CDKN1C protein (p.Pro88Leu). The proline residue is highly conserved and there is a moderate physicochemical difference between proline and leucine.